The following is an entry in ClinVar:

ClinVar aggregate classification (germline): Likely benign (1 of 4 stars; one submission).

Submission:

Mayo Clinic Laboratories, Mayo Clinic
Classification: Likely benign. Last evaluated: 2025-09-17. Review status: criteria provided, single submitter. Criteria: ACMG Guidelines, 2015. Collection method: clinical testing. Allele origin: germline. Observed: 1 variant allele.
Comment: BP5, BP7, PM2_supporting

NM_001365276.2(TNXB):c.11386+4G>T

Genes: TNXB (tenascin XB; minus strand), LOC106780803 (tenascin XB recombination region; plus strand). Cytogenetic location: 6p21.33.
Variant type: single nucleotide variant.
Coding change: c.11386+4G>T on transcript NM_001365276.2 (MANE Select); 4 bases into the intron after coding-DNA position 11386, G replaced by T.
Molecular consequence: intron variant.
Genome position (GRCh38, 1-based): chr6:32,044,003, C>A on the plus strand (G>T on the coding strand, the complement: TNXB is on the minus strand). VCF-style: chr6-32044003-C-A. GRCh37 (hg19) VCF-style: chr6-32011780-C-A.
Other names: p.?; c.11380+4G>T (NM_019105.8); c.12127+4G>T (NM_001428335.1); c.673+4G>T (NM_032470.4).
Identifiers: ClinVar variation 4684942 (VCV004684942.1).